The following is an entry in ClinVar:

ClinVar aggregate classification (germline): Uncertain significance (1 of 4 stars; one submission).

Submission:

Ambry Genetics
Classification: Uncertain significance. Last evaluated: 2025-04-18. Review status: criteria provided, single submitter. Criteria: Ambry Variant Classification Scheme 2023. Collection method: clinical testing. Allele origin: germline.
Comment: The p.C125W variant (also known as c.375C>G), located in coding exon 2 of the GALNT12 gene, results from a C to G substitution at nucleotide position 375. The cysteine at codon 125 is replaced by tryptophan, an amino acid with highly dissimilar properties. This amino acid position is conserved. In addition, this alteration is predicted to be deleterious by in silico analysis. Since supporting evidence is limited at this time, the clinical significance of this alteration remains unclear.

NM_024642.5(GALNT12):c.375C>G (p.Cys125Trp)

Gene: GALNT12 (polypeptide N-acetylgalactosaminyltransferase 12; plus strand). Cytogenetic location: 9q22.33.
Variant type: single nucleotide variant.
Coding change: c.375C>G on transcript NM_024642.5 (MANE Select); coding-DNA position 375, C replaced by G.
Protein change: p.Cys125Trp; replaces cysteine 125 with tryptophan.
Molecular consequence: missense variant.
Genome position (GRCh38, 1-based): chr9:98,823,259, C>G. VCF-style: chr9-98823259-C-G. GRCh37 (hg19) VCF-style: chr9-101585541-C-G.
Other names: short protein forms C125W.
Identifiers: ClinVar variation 1734635 (VCV001734635.3), dbSNP rs114902755, ClinGen allele CA374216438.